The following is an entry in ClinVar:

NM_152641.4(ARID2):c.2357G>A (p.Gly786Asp)

Gene: ARID2 (AT-rich interaction domain 2; plus strand). Cytogenetic location: 12q12.
Variant type: single nucleotide variant.
Coding change: c.2357G>A on transcript NM_152641.4 (MANE Select); coding-DNA position 2357, G replaced by A.
Protein change: p.Gly786Asp; replaces glycine 786 with aspartic acid.
Molecular consequence: missense variant.
Genome position (GRCh38, 1-based): chr12:45,850,480, G>A. VCF-style: chr12-45850480-G-A. GRCh37 (hg19) VCF-style: chr12-46244263-G-A.
Other names: c.2357G>A, p.Gly786Asp (NM_001347839.2); short protein forms G786D.
Identifiers: ClinVar variation 3778268 (VCV003778268.7).
Genomic context (GRCh38, chr12:45,850,480, plus strand): 5'-CATCTGTAATTCCACAGCAGTCTCCATTACACACAGTGGTACCAGGACAGATCCCTTCAG[G>A]CACTCCTGTTACAGTAATTCAACAAGCTGTCCCACAGAGTCATATGTTTGGCAGAGTACA-3'
Protein context (NP_689854.2, residues 776-796): HTVVPGQIPS[Gly786Asp]TPVTVIQQAV

ClinVar aggregate classification (germline): Uncertain significance (1 of 4 stars; one submission).

gnomAD v4.1: 5 of 1,613,872 alleles (0.00031%); highest among the groups gnomAD compares: Non-Finnish European, 0.00042%; no homozygotes.

Submission:

CeGaT Center for Human Genetics Tuebingen
Classification: Uncertain significance. Last evaluated: 2025-03-01. Review status: criteria provided, single submitter. Criteria: CeGaT Center For Human Genetics Tuebingen Variant Classification Criteria Version 2. Collection method: clinical testing. Allele origin: germline. Affected: yes. Observed: 1 variant allele.
Comment: ARID2: PM2